The following is an entry in ClinVar:

NM_203379.2(ACSL5):c.-30+2175G>A

Gene: ACSL5 (acyl-CoA synthetase long chain family member 5; plus strand). Cytogenetic location: 10q25.2.
Variant type: single nucleotide variant.
Coding change: c.-30+2175G>A on transcript NM_203379.2 (MANE Select); 2175 bases into the intron after 30 bases upstream of the start codon, G replaced by A.
Molecular consequence: intron variant. On other transcripts: synonymous variant (2).
Genome position (GRCh38, 1-based): chr10:112,376,444, G>A. VCF-style: chr10-112376444-G-A. GRCh37 (hg19) VCF-style: chr10-114136202-G-A.
Other names: c.135G>A, p.Ser45= (NM_001387037.1, NM_016234.4); c.-30+902G>A (NM_203380.2).
Identifiers: ClinVar variation 3388166 (VCV003388166.14).

ClinVar aggregate classification (germline): Likely benign (1 of 4 stars; one submission).

gnomAD v4.1: 663 of 1,614,080 alleles (0.041%); highest among the groups gnomAD compares: Admixed American, 0.22%; 3 homozygotes.

Submission:

CeGaT Center for Human Genetics Tuebingen
Classification: Likely benign. Last evaluated: 2024-11-01. Review status: criteria provided, single submitter. Criteria: CeGaT Center For Human Genetics Tuebingen Variant Classification Criteria Version 2. Collection method: clinical testing. Allele origin: germline. Affected: yes. Observed: 1 variant allele.
Comment: ACSL5: BP4, BP7